The following is an entry in ClinVar:

ClinVar aggregate classification (germline): Pathogenic (1 of 4 stars; one submission).

Conditions:
Cohen syndrome (COH1). Also called: PEPPER SYNDROME; Cutis verticis gyrata, retinitis pigmentosa, and sensorineural deafness. Identifiers: Orphanet 193, MedGen C0265223, MONDO:0008999, OMIM 216550.

Submission:

Women's Health and Genetics/Laboratory Corporation of America, LabCorp
Classification: Pathogenic for Cohen syndrome. Last evaluated: 2026-06-08. Review status: criteria provided, single submitter. Criteria: LabCorp Variant Classification Summary - May 2015. Collection method: clinical testing. Allele origin: germline.
Comment: Variant summary: The variant involves the deletion of exons 7-17 in the VPS13B gene. A presumed nomenclature of c.(762+1_763-1)_(2515+1_2516-1)del has been designated for the purposes of this classification. This Copy Number Variant (CNV) is expected to alter the reading frame and predicted to result in a truncation or absence of the encoded protein due to nonsense mediated decay (NMD). Loss-of-function variants in this gene are known to be pathogenic. The variant was absent in 21694 control chromosomes. To our knowledge, no occurrence of c.(762+1_763-1)_(2515+1_2516-1)del in individuals affected with VPS13B-related conditions and no experimental evidence demonstrating its impact on protein function have been reported. ClinVar contains an entry for this variant (Variation ID: 583454). Based on the evidence outlined above, the variant was classified as pathogenic.

NC_000008.10:g.(100123508_100127927)_(100205286_100286425)del

Gene: VPS13B (vacuolar protein sorting 13 homolog B; plus strand). Cytogenetic location: 8q22.2.
Variant type: Deletion.
Identifiers: ClinVar variation 4887456 (VCV004887456.1).